The following is an entry in ClinVar:

NM_001014987.2(LAT):c.-22C>T

Gene: LAT (linker for activation of T cells; plus strand). Cytogenetic location: 16p11.2.
Variant type: single nucleotide variant.
Coding change: c.-22C>T on transcript NM_001014987.2 (MANE Select); 22 bases upstream of the start codon, C replaced by T.
Molecular consequence: 5 prime UTR variant. On other transcripts: synonymous variant (1).
Genome position (GRCh38, 1-based): chr16:28,985,396, C>T. VCF-style: chr16-28985396-C-T. GRCh37 (hg19) VCF-style: chr16-28996717-C-T.
Other names: c.-22C>T (NM_001014988.2, NM_014387.4); c.87C>T, p.Ser29= (NM_001014989.2).
Identifiers: ClinVar variation 3047005 (VCV003047005.2), dbSNP rs367684485, ClinGen allele CA7989782.

ClinVar aggregate classification (germline): Likely benign (0 of 4 stars; one submission).

Conditions:
LAT-related disorder. Also called: LAT-related condition.

Allele frequency attached by ClinVar (database versions not stated): TOPMed 0.00004; gnomAD 0.00020; gnomAD exomes 0.00030; ExAC 0.00061; 1000 Genomes Project 0.00160; 1000 Genomes Project 30x 0.00187.
gnomAD v4.1: 476 of 1,612,758 alleles (0.03%); highest among the groups gnomAD compares: South Asian, 0.49%; 5 homozygotes.

Submission:

PreventionGenetics, part of Exact Sciences
Classification: Likely benign for LAT-related condition. Last evaluated: 2019-04-25. Review status: no assertion criteria provided. Collection method: clinical testing. Allele origin: germline.
Comment: This variant is classified as likely benign based on ACMG/AMP sequence variant interpretation guidelines (Richards et al. 2015 PMID: 25741868, with internal and published modifications).